The following is an entry in ClinVar:

NM_001375405.1(CEP120):c.368A>T (p.Lys123Met)

Gene: CEP120 (centrosomal protein 120; minus strand). Cytogenetic location: 5q23.2.
Variant type: single nucleotide variant.
Coding change: c.368A>T on transcript NM_001375405.1 (MANE Select); coding-DNA position 368, A replaced by T.
Protein change: p.Lys123Met; replaces lysine 123 with methionine.
Molecular consequence: missense variant. On other transcripts: 5 prime UTR variant (2), non-coding transcript variant (1).
Genome position (GRCh38, 1-based): chr5:123,412,494, T>A on the plus strand (A>T on the coding strand, the complement: CEP120 is on the minus strand). VCF-style: chr5-123412494-T-A. GRCh37 (hg19) VCF-style: chr5-122748188-T-A.
Other names: c.290A>T, p.Lys97Met (NM_001166226.2); c.368A>T, p.Lys123Met (NM_001375406.1, NM_001375407.1, NM_153223.4); c.-381A>T (NM_001375408.1); c.-323A>T (NM_001375409.1); short protein forms K123M, K97M.
Identifiers: ClinVar variation 2124369 (VCV002124369.4), dbSNP rs1294049676, ClinGen allele CA360896059.
Genomic context (GRCh38, chr5:123,412,494, plus strand): 5'-AAGCTATCCACTGGTGGCTTTGTATCGGTTTCCAAAGCAATACTTATCTGTATCTCAGAC[T>A]TGAATTTGGTGTATTTATTACTCAGCAACTGGTACCATTTTGGTGCCTAGAGAATAATAA-3'
Protein context (NP_001362334.1, residues 113-133): QLLSNKYTKF[Lys123Met]SEIQISIALE

ClinVar aggregate classification (germline): Uncertain significance (1 of 4 stars; one submission).

Conditions:
Short-rib thoracic dysplasia 13 with or without polydactyly (SRTD13). Identifiers: Orphanet 474, MedGen C4225378, MONDO:0014577, OMIM 616300.

gnomAD v4.1: 1 of 1,611,770 alleles (0.000062%); highest among the groups gnomAD compares: Non-Finnish European, 0.000085%; no homozygotes.

Submission:

Labcorp Genetics (formerly Invitae), Labcorp
Classification: Uncertain significance for Short-rib thoracic dysplasia 13 with or without polydactyly. Last evaluated: 2025-11-10. Review status: criteria provided, single submitter. Criteria: Invitae Variant Classification Sherloc (09022015). Collection method: clinical testing. Allele origin: germline.
Comment: This sequence change replaces lysine, which is basic and polar, with methionine, which is neutral and non-polar, at codon 123 of the CEP120 protein (p.Lys123Met). The frequency data for this variant in the population databases is considered unreliable, as metrics indicate poor data quality at this position in the gnomAD database. This variant has not been reported in the literature in individuals affected with CEP120-related conditions. ClinVar contains an entry for this variant (Variation ID: 2124369). Invitae Evidence Modeling of protein sequence and biophysical properties (such as structural, functional, and spatial information, amino acid conservation, physicochemical variation, residue mobility, and thermodynamic stability) indicates that this missense variant is expected to disrupt CEP120 protein function with a positive predictive value of 80%. In summary, the available evidence is currently insufficient to determine the role of this variant in disease. Therefore, it has been classified as a Variant of Uncertain Significance.